The following is an entry in ClinVar:

ClinVar aggregate classification (germline): Likely benign. Review status: criteria provided, multiple submitters, no conflicts (2 of 4 stars). 3 submissions from 3 submitters: Likely benign (3). Last evaluated 2025-08-24.

Conditions:
Myopathy with tubular aggregates (TAM). Also called: Tubular Aggregate Myopathy. Identifiers: Orphanet 2593, MedGen C0410207, MONDO:0008051.
Stormorken syndrome (STRMK). Also called: THROMBOCYTOPATHY, ASPLENIA, AND MIOSIS. Identifiers: Orphanet 3204, MedGen C1861451, MONDO:0008497, OMIM 185070.
Combined immunodeficiency due to STIM1 deficiency. Also called: STIM1 DEFICIENCY; IMMUNODEFICIENCY 10. Identifiers: Orphanet 169090, Orphanet 317430, MedGen C2748557, MONDO:0013008, OMIM 612783.

Allele frequency attached by ClinVar (database versions not stated): gnomAD below 0.00001 and 0.00002; TOPMed below 0.00001; ExAC 0.00004; gnomAD exomes 0.00005.
gnomAD v4.1: 42 of 1,613,654 alleles (0.0026%); highest among the groups gnomAD compares: South Asian, 0.042%; no homozygotes.

Submissions (3):

Labcorp Genetics (formerly Invitae), Labcorp
Classification: Likely benign for Myopathy with tubular aggregates; Combined immunodeficiency due to STIM1 deficiency; Stormorken syndrome. Last evaluated: 2025-08-24. Review status: criteria provided, single submitter. Criteria: Invitae Variant Classification Sherloc (09022015). Collection method: clinical testing. Allele origin: germline.

Blueprint Genetics
Classification: Likely benign. Last evaluated: 2023-11-06. Review status: criteria provided, single submitter. Criteria: ACMG Guidelines, 2015. Collection method: clinical testing. Allele origin: germline.

GeneDx
Classification: Likely benign. Last evaluated: 2016-09-02. Review status: criteria provided, single submitter. Criteria: GeneDx Variant Classification (06012015). Collection method: clinical testing. Allele origin: germline. Affected: yes.
Comment: This variant is considered likely benign or benign based on one or more of the following criteria: it is a conservative change, it occurs at a poorly conserved position in the protein, it is predicted to be benign by multiple in silico algorithms, and/or has population frequency not consistent with disease.

NM_001382567.1(STIM1):c.1138-8C>T

Gene: STIM1 (stromal interaction molecule 1; plus strand). Cytogenetic location: 11p15.4.
Variant type: single nucleotide variant.
Coding change: c.1138-8C>T on transcript NM_001382567.1 (MANE Select); 8 bases into the intron before coding-DNA position 1138, C replaced by T.
Molecular consequence: intron variant.
Genome position (GRCh38, 1-based): chr11:4,082,874, C>T. VCF-style: chr11-4082874-C-T. GRCh37 (hg19) VCF-style: chr11-4104104-C-T.
Other names: c.916-8C>T (NM_001382578.1, NM_001382575.1, NM_001382576.1 and 4 more transcripts); c.649-8C>T (NM_001382580.1, NM_001382581.1); c.1138-8C>T (NM_001382568.1, NM_001277962.2, NM_003156.4 and 1 more transcripts); c.910-8C>T (NM_001382570.1); c.1003-8C>T (NM_001382569.1); c.658-8C>T (NM_001382571.1).
Identifiers: ClinVar variation 389039 (VCV000389039.13), dbSNP rs750360122, ClinGen allele CA5830412.